The following is an entry in ClinVar:

ClinVar aggregate classification (germline): Uncertain significance. Review status: criteria provided, multiple submitters, no conflicts (2 of 4 stars). 2 submissions from 2 submitters: Uncertain significance (2). Last evaluated 2025-05-08.

Conditions:
Hereditary cancer-predisposing syndrome. Also called: Hereditary Cancer Syndrome; Tumor predisposition; Hereditary neoplastic syndrome; Neoplastic Syndromes, Hereditary. Identifiers: Orphanet 140162, MedGen C0027672, MeSH D009386, MONDO:0015356.
Multiple endocrine neoplasia, type 1 (MEN1). Also called: MEA I; MEN I; WERMER SYNDROME; Endocrine adenomatosis multiple; MEN 1. Identifiers: Orphanet 652, MedGen C0025267, MeSH D018761, MONDO:0007540, OMIM 131100.

Allele frequency attached by ClinVar (database versions not stated): gnomAD exomes below 0.00001.
gnomAD v4.1: 3 of 1,614,180 alleles (0.00019%); highest among the groups gnomAD compares: Non-Finnish European, 0.00017%; no homozygotes.

Submissions (2):

Ambry Genetics
Classification: Uncertain significance for Hereditary cancer-predisposing syndrome. Last evaluated: 2025-05-08. Review status: criteria provided, single submitter. Criteria: Ambry Variant Classification Scheme 2023. Collection method: clinical testing. Allele origin: germline.
Comment: The p.R605Q variant (also known as c.1814G>A), located in coding exon 9 of the MEN1 gene, results from a G to A substitution at nucleotide position 1814. The arginine at codon 605 is replaced by glutamine, an amino acid with highly similar properties. This variant was reported in individual(s) with features consistent with multiple endocrine neoplasia type 1 (Romanet P et al. Hum Mutat, 2019 Jun;40:661-674). This amino acid position is highly conserved in available vertebrate species. In addition, this alteration is predicted to be deleterious by in silico analysis. Based on the available evidence, the clinical significance of this variant remains unclear.

Labcorp Genetics (formerly Invitae), Labcorp
Classification: Uncertain significance for Multiple endocrine neoplasia, type 1. Last evaluated: 2024-08-05. Review status: criteria provided, single submitter. Criteria: Invitae Variant Classification Sherloc (09022015). Collection method: clinical testing. Allele origin: germline.
Comment: This sequence change replaces arginine, which is basic and polar, with glutamine, which is neutral and polar, at codon 605 of the MEN1 protein (p.Arg605Gln). This variant is not present in population databases (gnomAD no frequency). This missense change has been observed in individual(s) with clinical features of MEN1-related conditions (PMID: 10612827, 30869828). ClinVar contains an entry for this variant (Variation ID: 200992). Advanced modeling of protein sequence and biophysical properties (such as structural, functional, and spatial information, amino acid conservation, physicochemical variation, residue mobility, and thermodynamic stability) performed at Invitae indicates that this missense variant is expected to disrupt MEN1 protein function with a positive predictive value of 95%. In summary, the available evidence is currently insufficient to determine the role of this variant in disease. Therefore, it has been classified as a Variant of Uncertain Significance.

Literature cited by the submitters: PubMed 30869828 (cited by Ambry Genetics and Labcorp Genetics (formerly Invitae), Labcorp); PubMed 10612827 (cited by Labcorp Genetics (formerly Invitae), Labcorp).

NM_001370259.2(MEN1):c.1814G>A (p.Arg605Gln)

Gene: MEN1 (menin 1; minus strand). Cytogenetic location: 11q13.1.
Variant type: single nucleotide variant.
Coding change: c.1814G>A on transcript NM_001370259.2 (MANE Select); coding-DNA position 1814, G replaced by A.
Protein change: p.Arg605Gln; replaces arginine 605 with glutamine.
Molecular consequence: missense variant.
Genome position (GRCh38, 1-based): chr11:64,804,353, C>T on the plus strand (G>A on the coding strand, the complement: MEN1 is on the minus strand). VCF-style: chr11-64804353-C-T. GRCh37 (hg19) VCF-style: chr11-64571825-C-T.
Other names: c.1829G>A, p.Arg610Gln (NM_000244.4, NM_130800.3, NM_130801.3 and 3 more transcripts); c.1940G>A, p.Arg647Gln (NM_001370251.2); c.1814G>A, p.Arg605Gln (NM_001370260.2, NM_001370261.2, NM_130799.3); c.1709G>A, p.Arg570Gln (NM_001370262.2, NM_001370263.2); short protein forms R605Q, R610Q, R570Q, R647Q.
Identifiers: ClinVar variation 200992 (VCV000200992.10), dbSNP rs1555163002, ClinGen allele CA009311.
Genomic context (GRCh38, chr11:64,804,353, plus strand): 5'-GGAGCCTGGGTCCCCACAAGCGGTCCGAAGTCCCCAGTAGTTCAGAGGCCTTTGCGCTGC[C>T]GCTTGAGGAAAGACAGAGTGTAGTCACTAGGGGTGGACACTTTCTGCTTCTTCATCTGCA-3'
Protein context (NP_001357188.2, residues 595-610): PSDYTLSFLK[Arg605Gln]QRKGL